The following is an entry in ClinVar:

NM_001692.4(ATP6V1B1):c.446-1G>A

Gene: ATP6V1B1 (ATPase H+ transporting V1 subunit B1; plus strand). Cytogenetic location: 2p13.3.
Variant type: single nucleotide variant.
Coding change: c.446-1G>A on transcript NM_001692.4 (MANE Select); the canonical splice acceptor site of the intron before coding-DNA position 446, G replaced by A.
Molecular consequence: splice acceptor variant.
Genome position (GRCh38, 1-based): chr2:70,959,938, G>A. VCF-style: chr2-70959938-G-A. GRCh37 (hg19) VCF-style: chr2-71187068-G-A.
Identifiers: ClinVar variation 2983086 (VCV002983086.6), dbSNP rs1363121734, ClinGen allele CA347181762.

ClinVar aggregate classification (germline): Likely pathogenic. Review status: criteria provided, multiple submitters, no conflicts (2 of 4 stars). 2 submissions from 2 submitters: Likely pathogenic (2). Last evaluated 2026-01-24.

Conditions:
Renal tubular acidosis with progressive nerve deafness. Also called: RENAL TUBULAR ACIDOSIS, AUTOSOMAL RECESSIVE, WITH PROGRESSIVE NERVE DEAFNESS; RTA WITH PROGRESSIVE NERVE DEAFNESS; Distal Renal Tubular Acidosis with Progressive Sensorineural Deafness; renal tubular acidosis, distal, 2, with progressive sensorineural hearing loss. Identifiers: MedGen C0403554, MONDO:0009968, OMIM 267300.

Allele frequency attached by ClinVar (database versions not stated): gnomAD 0.00001; TOPMed 0.00001.
gnomAD v4.1: 2 of 1,614,054 alleles (0.00012%); highest among the groups gnomAD compares: African/African-American, 0.0027%; no homozygotes.

Submissions (3):

Labcorp Genetics (formerly Invitae), Labcorp
Classification: Likely pathogenic. Last evaluated: 2026-01-24. Review status: criteria provided, single submitter. Criteria: Invitae Variant Classification Sherloc (09022015). Collection method: clinical testing. Allele origin: germline.
Comment: This sequence change affects an acceptor splice site in intron 5 of the ATP6V1B1 gene. It is expected to disrupt RNA splicing. Variants that disrupt the donor or acceptor splice site typically lead to a loss of protein function (PMID: 16199547), and loss-of-function variants in ATP6V1B1 are known to be pathogenic (PMID: 9916796, 18368028). This variant is present in population databases (no rsID available, gnomAD 0.01%). This variant has not been reported in the literature in individuals affected with ATP6V1B1-related conditions. ClinVar contains an entry for this variant (Variation ID: 2983086). Algorithms developed to predict the effect of sequence changes on RNA splicing suggest that this variant may disrupt the consensus splice site. In summary, the currently available evidence indicates that the variant is pathogenic, but additional data are needed to prove that conclusively. Therefore, this variant has been classified as Likely Pathogenic.

Fulgent Genetics
Classification: Likely pathogenic for Renal tubular acidosis with progressive nerve deafness. Last evaluated: 2024-01-20. Review status: criteria provided, single submitter. Criteria: ACMG Guidelines, 2015. Collection method: clinical testing. Allele origin: germline.

Dr. Peter K. Rogan Lab, Western University
No classification provided (evidence only). Condition: Malignant tumor of urinary bladder. Review status: no classification provided. Collection method: in vitro. Allele origin: not applicable. Functional consequence: retained intron. Not counted in ClinVar's aggregate classification.

Literature cited by the submitters: PubMed 16199547 (cited by Labcorp Genetics (formerly Invitae), Labcorp); PubMed 9916796 (cited by Labcorp Genetics (formerly Invitae), Labcorp); PubMed 18368028 (cited by Labcorp Genetics (formerly Invitae), Labcorp).